The following is an entry in ClinVar:

ClinVar aggregate classification (germline): Uncertain significance. Review status: criteria provided, multiple submitters, no conflicts (2 of 4 stars). 2 submissions from 2 submitters: Uncertain significance (2). Last evaluated 2024-03-30.

Conditions:
Mosaic variegated aneuploidy syndrome 2 (MVA2). Identifiers: Orphanet 1052, MedGen C3279843, MONDO:0013582, OMIM 614114.

Allele frequency attached by ClinVar (database versions not stated): gnomAD 0.00001; gnomAD exomes 0.00001 and 0.00004; TOPMed 0.00002.
gnomAD v4.1: 54 of 1,613,908 alleles (0.0033%); highest among the groups gnomAD compares: Middle Eastern, 0.016%; no homozygotes.

Submissions (2):

Labcorp Genetics (formerly Invitae), Labcorp
Classification: Uncertain significance for Mosaic variegated aneuploidy syndrome 2. Last evaluated: 2024-03-30. Review status: criteria provided, single submitter. Criteria: Invitae Variant Classification Sherloc (09022015). Collection method: clinical testing. Allele origin: germline.
Comment: This sequence change replaces serine, which is neutral and polar, with leucine, which is neutral and non-polar, at codon 41 of the CEP57 protein (p.Ser41Leu). This variant is present in population databases (no rsID available, gnomAD 0.003%). This variant has not been reported in the literature in individuals affected with CEP57-related conditions. ClinVar contains an entry for this variant (Variation ID: 641896). Advanced modeling of protein sequence and biophysical properties (such as structural, functional, and spatial information, amino acid conservation, physicochemical variation, residue mobility, and thermodynamic stability) performed at Invitae indicates that this missense variant is not expected to disrupt CEP57 protein function with a negative predictive value of 80%. In summary, the available evidence is currently insufficient to determine the role of this variant in disease. Therefore, it has been classified as a Variant of Uncertain Significance.

Fulgent Genetics
Classification: Uncertain significance for Mosaic variegated aneuploidy syndrome 2. Last evaluated: 2024-02-27. Review status: criteria provided, single submitter. Criteria: ACMG Guidelines, 2015. Collection method: clinical testing. Allele origin: germline.

NM_014679.5(CEP57):c.122C>T (p.Ser41Leu)

Gene: CEP57 (centrosomal protein 57; plus strand). Cytogenetic location: 11q21.
Variant type: single nucleotide variant.
Coding change: c.122C>T on transcript NM_014679.5 (MANE Select); coding-DNA position 122, C replaced by T.
Protein change: p.Ser41Leu; replaces serine 41 with leucine.
Molecular consequence: missense variant.
Genome position (GRCh38, 1-based): chr11:95,799,308, C>T. VCF-style: chr11-95799308-C-T. GRCh37 (hg19) VCF-style: chr11-95532472-C-T.
Other names: c.95C>T, p.Ser32Leu (NM_001243776.2); c.122C>T, p.Ser41Leu (NM_001243777.2); c.41C>T, p.Ser14Leu (NM_001363604.2); short protein forms S41L, S14L, S32L.
Identifiers: ClinVar variation 641896 (VCV000641896.7), dbSNP rs993520814, ClinGen allele CA226616817.
Genomic context (GRCh38, chr11:95,799,308, plus strand): 5'-CATCAAGGTCTAATGGAAGCATGGTTCGGCATTCTTCATCTCCATATGTAGTATATCCTT[C>T]GGATAAGCCTTTCCTTAATAGTGATCTACGACGCTCCCCAAGTAAGCCTACACTTGCCTA-3'
Protein context (NP_055494.2, residues 31-51): HSSSPYVVYP[Ser41Leu]DKPFLNSDLR